The following is an entry in ClinVar:

ClinVar aggregate classification (germline): Pathogenic. Review status: no assertion criteria provided (0 of 4 stars). 2 submissions from 1 submitter: Pathogenic (2). Last evaluated 2021-03-19.

Conditions:
Acquired polycythemia vera. Also called: POLYCYTHEMIA RUBRA VERA; Polycythemia vera, somatic; Suspected polycythemia vera. Identifiers: Orphanet 729, MedGen C0032463, MeSH D011087, MONDO:0009891, OMIM 263300.
Endometrial serous adenocarcinoma. Also called: Uterine corpus serous adenocarcinoma. Identifiers: MedGen C0854924, MONDO:0006196.
Ovarian neoplasm. Also called: Ovarian tumor; Ovarian Neoplasms; Neoplasm of ovary. Identifiers: MedGen C0919267, MeSH D010051, MONDO:0021068, HP:0100615.

Submissions (2):

University Health Network, Princess Margaret Cancer Centre
Classification: Pathogenic for Ovarian cancer. Last evaluated: 2021-03-19. Review status: no assertion criteria provided. Collection method: clinical testing. Allele origin: somatic. Affected: no.
Comment: This is a full deletion of ATM. This whole gene deletion was detected by next generation sequencing of genomic DNA (gDNA) and confirmed by MLPA.

University Health Network, Princess Margaret Cancer Centre
Classification: Pathogenic for Acquired polycythemia vera; Endometrial serous adenocarcinoma. Last evaluated: 2021-03-19. Review status: no assertion criteria provided. Collection method: clinical testing. Allele origin: somatic. Affected: no.
Comment: This is a full deletion of ATM. This whole gene deletion was detected by next generation sequencing of genomic DNA (gDNA) and confirmed by MLPA

Single allele

Gene: ATM (ATM serine/threonine kinase; plus strand). Cytogenetic location: 11q22.3.
Variant type: Deletion.
Identifiers: ClinVar variation 1174013 (VCV001174013.1).